The following is an entry in ClinVar:

ClinVar aggregate classification (germline): Uncertain significance (1 of 4 stars; one submission).

Conditions:
Cardiovascular phenotype. Identifiers: MedGen CN230736.

gnomAD v4.1: 1 of 1,613,744 alleles (0.000062%); highest among the groups gnomAD compares: Non-Finnish European, 0.000085%; no homozygotes.

Submission:

Ambry Genetics
Classification: Uncertain significance for Cardiovascular phenotype. Last evaluated: 2025-09-12. Review status: criteria provided, single submitter. Criteria: Ambry Variant Classification Scheme 2023. Collection method: clinical testing. Allele origin: germline.
Comment: The p.L813M variant (also known as c.2437C>A), located in coding exon 22 of the ANK2 gene, results from a C to A substitution at nucleotide position 2437. The leucine at codon 813 is replaced by methionine, an amino acid with highly similar properties. This amino acid position is conserved. In addition, this alteration is predicted to be deleterious by in silico analysis. Based on the available evidence, the clinical significance of this variant remains unclear.

NM_001148.6(ANK2):c.2437C>A (p.Leu813Met)

Gene: ANK2 (ankyrin 2; plus strand). Cytogenetic location: 4q26.
Variant type: single nucleotide variant.
Coding change: c.2437C>A on transcript NM_001148.6 (MANE Select); coding-DNA position 2437, C replaced by A.
Protein change: p.Leu813Met; replaces leucine 813 with methionine.
Molecular consequence: missense variant.
Genome position (GRCh38, 1-based): chr4:113,293,500, C>A. VCF-style: chr4-113293500-C-A. GRCh37 (hg19) VCF-style: chr4-114214656-C-A.
Other names: c.2374C>A, p.Leu792Met (NM_001354254.2, NM_001354255.2, NM_001354256.2 and 10 more transcripts); c.2275C>A, p.Leu759Met (NM_001354257.2, NM_001354253.2, NM_001354270.2 and 1 more transcripts); c.2437C>A, p.Leu813Met (NM_001354258.2, NM_001354246.2, NM_001354265.2 and 6 more transcripts); c.2251C>A, p.Leu751Met (NM_001354260.2, NM_001354271.2, NM_001386151.1); c.2395C>A, p.Leu799Met (NM_001354261.2, NM_001386147.1, NM_001386160.1); c.2350C>A, p.Leu784Met (NM_001354264.2, NM_001354276.2, NM_001386142.1 and 10 more transcripts); c.2152C>A, p.Leu718Met (NM_001354277.2, NM_001386157.1); c.64C>A, p.Leu22Met (NM_001354278.2, NM_001354279.2, NM_001354280.2 and 2 more transcripts); and 9 more; short protein forms L743M, L747M, L759M, L780M, L784M, L799M, L685M, L718M.
Identifiers: ClinVar variation 4096940 (VCV004096940.1).
Genomic context (GRCh38, chr4:113,293,500, plus strand): 5'-AATGGCAACACTGCCTTGGCGATTGCTAAGCGTCTGGGCTACATCTCCGTGGTCGACACC[C>A]TGAAGGTTGTGACTGAGGAGGTCACCACCACCACCACAGTGAGTATGAGTGACTGACTAG-3'
Protein context (NP_001139.3, residues 803-823): RLGYISVVDT[Leu813Met]KVVTEEVTTT